The following is an entry in ClinVar:

ClinVar aggregate classification (germline): Uncertain significance (1 of 4 stars; one submission).

Submission:

GeneDx
Classification: Uncertain significance. Last evaluated: 2026-01-28. Review status: criteria provided, single submitter. Criteria: GeneDx Variant Classification Process June 2021. Collection method: clinical testing. Allele origin: germline.
Comment: Not observed at significant frequency in large population cohorts (gnomAD); In silico analysis supports that this missense variant has a deleterious effect on protein structure/function; Has not been previously published as pathogenic or benign to our knowledge

NM_001194.4(HCN2):c.866C>T (p.Thr289Met)

Gene: HCN2 (hyperpolarization activated cyclic nucleotide gated potassium and sodium channel 2; plus strand). Cytogenetic location: 19p13.3.
Variant type: single nucleotide variant.
Coding change: c.866C>T on transcript NM_001194.4 (MANE Select); coding-DNA position 866, C replaced by T.
Protein change: p.Thr289Met; replaces threonine 289 with methionine.
Molecular consequence: missense variant.
Genome position (GRCh38, 1-based): chr19:603,777, C>T. VCF-style: chr19-603777-C-T. GRCh37 (hg19) VCF-style: chr19-603777-C-T.
Other names: short protein forms T289M.
Identifiers: ClinVar variation 4975287 (VCV004975287.1).